The following is an entry in ClinVar:

ClinVar aggregate classification (germline): Uncertain significance (1 of 4 stars; one submission).

Allele frequency attached by ClinVar (database versions not stated): TOPMed below 0.00001; ExAC 0.00001; gnomAD exomes 0.00001.

Submission:

Labcorp Genetics (formerly Invitae), Labcorp
Classification: Uncertain significance. Last evaluated: 2021-12-02. Review status: criteria provided, single submitter. Criteria: Invitae Variant Classification Sherloc (09022015). Collection method: clinical testing. Allele origin: germline.
Comment: This sequence change replaces valine, which is neutral and non-polar, with methionine, which is neutral and non-polar, at codon 191 of the POLR3B protein (p.Val191Met). This variant is present in population databases (rs545766074, gnomAD 0.003%). This variant has not been reported in the literature in individuals affected with POLR3B-related conditions. Algorithms developed to predict the effect of missense changes on protein structure and function are either unavailable or do not agree on the potential impact of this missense change (SIFT: "Deleterious"; PolyPhen-2: "Probably Damaging"; Align-GVGD: "Class C0"). In summary, the available evidence is currently insufficient to determine the role of this variant in disease. Therefore, it has been classified as a Variant of Uncertain Significance.

NM_018082.6(POLR3B):c.571G>A (p.Val191Met)

Gene: POLR3B (RNA polymerase III subunit B; plus strand). Cytogenetic location: 12q23.3.
Variant type: single nucleotide variant.
Coding change: c.571G>A on transcript NM_018082.6 (MANE Select); coding-DNA position 571, G replaced by A.
Protein change: p.Val191Met; replaces valine 191 with methionine.
Molecular consequence: missense variant.
Genome position (GRCh38, 1-based): chr12:106,378,341, G>A. VCF-style: chr12-106378341-G-A. GRCh37 (hg19) VCF-style: chr12-106772119-G-A.
Other names: c.397G>A, p.Val133Met (NM_001160708.2); short protein forms V133M, V191M.
Identifiers: ClinVar variation 1463867 (VCV001463867.8), dbSNP rs545766074, ClinGen allele CA6761733.